The following is an entry in ClinVar:

ClinVar aggregate classification (germline): Likely benign. Review status: criteria provided, multiple submitters, no conflicts (2 of 4 stars). 2 submissions from 2 submitters: Likely benign (2). Last evaluated 2025-07-14.

Allele frequency attached by ClinVar (database versions not stated): TOPMed 0.00003.
gnomAD v4.1: 1 of 1,613,714 alleles (0.000062%); highest among the groups gnomAD compares: Admixed American, 0.0017%; no homozygotes.

Submissions (2):

Labcorp Genetics (formerly Invitae), Labcorp
Classification: Likely benign. Last evaluated: 2025-07-14. Review status: criteria provided, single submitter. Criteria: Invitae Variant Classification Sherloc (09022015). Collection method: clinical testing. Allele origin: germline.

Laboratory for Molecular Medicine, Mass General Brigham Personalized Medicine
Classification: Likely benign. Last evaluated: 2015-06-16. Review status: criteria provided, single submitter. Criteria: LMM Criteria. Collection method: clinical testing. Allele origin: germline. Observed: 1 variant allele.
Comment: p.Gly383Gly in exon 2 of MYO15A: This variant is not expected to have clinical s ignificance because it does not alter an amino acid residue and is not located w ithin the splice consensus sequence.

NM_016239.4(MYO15A):c.1149C>T (p.Gly383=)

Gene: MYO15A (myosin XVA; plus strand). Cytogenetic location: 17p11.2.
Variant type: single nucleotide variant.
Coding change: c.1149C>T on transcript NM_016239.4 (MANE Select); coding-DNA position 1149, C replaced by T.
Protein change: p.Gly383=; no amino-acid change (glycine 383 retained).
Molecular consequence: synonymous variant.
Genome position (GRCh38, 1-based): chr17:18,119,949, C>T. VCF-style: chr17-18119949-C-T. GRCh37 (hg19) VCF-style: chr17-18023263-C-T.
Identifiers: ClinVar variation 227633 (VCV000227633.9), dbSNP rs746937331, ClinGen allele CA10577013.